The following is an entry in ClinVar:

NM_000501.4(ELN):c.684T>A (p.Tyr228Ter)

Gene: ELN (elastin; plus strand). Cytogenetic location: 7q11.23.
Variant type: single nucleotide variant.
Coding change: c.684T>A on transcript NM_000501.4 (MANE Select); coding-DNA position 684, T replaced by A.
Protein change: p.Tyr228Ter; replaces tyrosine 228 with a stop codon.
Molecular consequence: nonsense. On other transcripts: intron variant (2).
Genome position (GRCh38, 1-based): chr7:74,047,715, T>A. VCF-style: chr7-74047715-T-A. GRCh37 (hg19) VCF-style: chr7-73462045-T-A.
Other names: c.654T>A, p.Tyr218Ter (NM_001081752.3, NM_001278917.2); c.699T>A, p.Tyr233Ter (NM_001081753.3, NM_001081754.3); c.684T>A, p.Tyr228Ter (NM_001081755.3, NM_001278912.2, NM_001278915.2 and 1 more transcripts); c.669T>A, p.Tyr223Ter (NM_001278914.2); c.552T>A, p.Tyr184Ter (NM_001278918.2); c.644-427T>A (NM_001278916.2); c.578-427T>A (NM_001278913.2); short protein forms Y184*, Y218*, Y223*, Y228*, Y233*.
Identifiers: ClinVar variation 2629687 (VCV002629687.2), dbSNP rs2485451259, ClinGen allele CA367870443.

ClinVar aggregate classification (germline): Likely pathogenic (1 of 4 stars; one submission).

Conditions:
ELN-related disorder.

Submission:

PreventionGenetics, part of Exact Sciences
Classification: Likely pathogenic for ELN-related condition. Last evaluated: 2024-10-29. Review status: criteria provided, single submitter. Criteria: ACMG Guidelines, 2015. Collection method: clinical testing. Allele origin: germline.
Comment: The ELN c.684T>A variant is predicted to result in premature protein termination (p.Tyr228*). To our knowledge, this variant has not been reported in the literature or in a large population database (gnomAD), indicating this variant is rare. Nonsense variants in ELN are expected to be pathogenic. This variant is interpreted as likely pathogenic.